The following is an entry in ClinVar:

NM_020821.3(VPS13C):c.4516C>A (p.Leu1506Met)

Gene: VPS13C (vacuolar protein sorting 13 homolog C; minus strand). Cytogenetic location: 15q22.2.
Variant type: single nucleotide variant.
Coding change: c.4516C>A on transcript NM_020821.3 (MANE Select); coding-DNA position 4516, C replaced by A.
Protein change: p.Leu1506Met; replaces leucine 1506 with methionine.
Molecular consequence: missense variant.
Genome position (GRCh38, 1-based): chr15:61,950,965, G>T on the plus strand (C>A on the coding strand, the complement: VPS13C is on the minus strand). VCF-style: chr15-61950965-G-T. GRCh37 (hg19) VCF-style: chr15-62243164-G-T.
Other names: c.4516C>A, p.Leu1506Met (NM_001018088.3); c.4387C>A, p.Leu1463Met (NM_017684.5, NM_018080.4); short protein forms L1463M, L1506M.
Identifiers: ClinVar variation 2103342 (VCV002103342.4), dbSNP rs1259918107, ClinGen allele CA392695512.

ClinVar aggregate classification (germline): Uncertain significance (1 of 4 stars; one submission).

Allele frequency attached by ClinVar (database versions not stated): gnomAD exomes below 0.00001; TOPMed below 0.00001; gnomAD 0.00001.
gnomAD v4.1: 6 of 1,602,352 alleles (0.00037%); highest among the groups gnomAD compares: Admixed American, 0.0017%; no homozygotes.

Submission:

Labcorp Genetics (formerly Invitae), Labcorp
Classification: Uncertain significance. Last evaluated: 2022-05-30. Review status: criteria provided, single submitter. Criteria: Invitae Variant Classification Sherloc (09022015). Collection method: clinical testing. Allele origin: germline.
Comment: This sequence change replaces leucine, which is neutral and non-polar, with methionine, which is neutral and non-polar, at codon 1506 of the VPS13C protein (p.Leu1506Met). This variant is present in population databases (no rsID available, gnomAD 0.0009%). This variant has not been reported in the literature in individuals affected with VPS13C-related conditions. Algorithms developed to predict the effect of missense changes on protein structure and function are either unavailable or do not agree on the potential impact of this missense change (SIFT: "Tolerated"; PolyPhen-2: "Probably Damaging"; Align-GVGD: "Class C0"). In summary, the available evidence is currently insufficient to determine the role of this variant in disease. Therefore, it has been classified as a Variant of Uncertain Significance.